The following is an entry in ClinVar:

NM_201269.3(ZNF644):c.1703_1706del (p.Lys568fs)

Gene: ZNF644 (zinc finger protein 644; minus strand). Cytogenetic location: 1p22.2.
Variant type: Deletion.
Coding change: c.1703_1706del on transcript NM_201269.3 (MANE Select); coding-DNA positions 1703 to 1706, 4 bases deleted (AAAA; older notation c.1703_1706delAAAA).
Protein change: p.Lys568fs; shifts the reading frame from lysine 568.
Molecular consequence: frameshift variant. On other transcripts: intron variant (2).
Genome position (GRCh38, 1-based): chr1:90,939,648-90,939,651, TTTT deleted on the plus strand (AAAA on the coding strand, the reverse complement: ZNF644 is on the minus strand); deleting any 4 consecutive bases within chr1:90,939,648-90,939,654 gives the same sequence; the c. name uses the placement nearest the transcript's 3' end. VCF-style (leftmost placement, unchanged base first): chr1-90939647-CTTTT-C. GRCh37 (hg19) VCF-style: chr1-91405204-CTTTT-C.
Other names: c.23-21497_23-21494del (NM_032186.5, NM_016620.4); short protein forms K568fs.
Identifiers: ClinVar variation 3030243 (VCV003030243.2), dbSNP rs2524460861, ClinGen allele CA2740090790.

ClinVar aggregate classification (germline): Uncertain significance (0 of 4 stars; one submission).

Conditions:
ZNF644-related disorder. Also called: ZNF644-related condition.

Submission:

PreventionGenetics, part of Exact Sciences
Classification: Uncertain significance for ZNF644-related condition. Last evaluated: 2024-02-05. Review status: no assertion criteria provided. Collection method: clinical testing. Allele origin: germline.
Comment: The ZNF644 c.1703_1706delAAAA variant is predicted to result in a frameshift and premature protein termination (p.Lys568Argfs*4). To our knowledge, this variant has not been reported in the literature or in a large population database, indicating this variant is rare. At this time, the clinical significance of this variant is uncertain due to the absence of conclusive functional and genetic evidence.